The following is an entry in ClinVar:

ClinVar aggregate classification (germline): Pathogenic (1 of 4 stars; one submission).

Conditions:
Bardet-Biedl syndrome (BBS). Identifiers: Orphanet 110, MedGen C0752166, MONDO:0015229.

Submission:

Labcorp Genetics (formerly Invitae), Labcorp
Classification: Pathogenic for Bardet-Biedl syndrome. Last evaluated: 2022-09-03. Review status: criteria provided, single submitter. Criteria: Invitae Variant Classification Sherloc (09022015). Collection method: clinical testing. Allele origin: germline.
Comment: This sequence change creates a premature translational stop signal (p.Asn121Metfs*80) in the BBS2 gene. It is expected to result in an absent or disrupted protein product. Loss-of-function variants in BBS2 are known to be pathogenic (PMID: 11285252, 20177705, 24608809, 26518167). For these reasons, this variant has been classified as Pathogenic. This variant has not been reported in the literature in individuals affected with BBS2-related conditions. This variant is not present in population databases (gnomAD no frequency).

Literature cited by the submitters: PubMed 11285252; PubMed 20177705; PubMed 24608809; PubMed 26518167.

NM_031885.5(BBS2):c.362del (p.Asn121fs)

Gene: BBS2 (Bardet-Biedl syndrome 2; minus strand). Cytogenetic location: 16q13.
Variant type: Deletion.
Coding change: c.362del on transcript NM_031885.5 (MANE Select); coding-DNA position 362, one base deleted (A; older notation c.362delA).
Protein change: p.Asn121fs; shifts the reading frame from asparagine 121.
Molecular consequence: frameshift variant. On other transcripts: non-coding transcript variant (5).
Genome position (GRCh38, 1-based): chr16:56,511,268, T deleted on the plus strand (A on the coding strand, the reverse complement: BBS2 is on the minus strand); the first of 3 consecutive T bases (chr16:56,511,268-56,511,270); deleting any one gives the same sequence. VCF-style (leftmost placement, unchanged base first): chr16-56511267-AT-A. GRCh37 (hg19) VCF-style: chr16-56545179-AT-A.
Other names: c.362del, p.Asn121fs (NM_001377456.1); short protein forms N121fs.
Identifiers: ClinVar variation 2028715 (VCV002028715.4), dbSNP rs2543733677, ClinGen allele CA2580091648.